The following is an entry in ClinVar:

ClinVar aggregate classification (germline): Likely pathogenic. Review status: criteria provided, multiple submitters, no conflicts (2 of 4 stars). 3 submissions from 3 submitters: Likely pathogenic (3). Last evaluated 2026-09-08.

Conditions:
Fabry disease. Also called: GLA DEFICIENCY; HEREDITARY DYSTOPIC LIPIDOSIS; Fabry's disease; Angiokeratoma corporis diffusum; Ceramide trihexosidosis; ALPHA-GALACTOSIDASE A DEFICIENCY. Identifiers: Orphanet 324, MedGen C0002986, MONDO:0010526, OMIM 301500, HP:0001071. Disease mechanism: loss of function, Fabry disease is due to inactivating mutations in the X-linked GLA gene resulting in deficiency of the enzyme Alpha Galactosidase-A..

Submissions (3):

Genomenon, Inc
Classification: Likely pathogenic for Fabry disease. Last evaluated: 2026-09-08. Review status: criteria provided, single submitter. Criteria: Genomenon Sequence Variant Interpretation Standards - Updated. Collection method: curation. Allele origin: germline. Affected: yes.
Comment: GLA p.Gly171Ser (c.511G>A) is a missense variant that changes the amino acid at codon 171 from Glycine to Serine. This variant has been observed in at least one proband with clinical features consistent with Fabry disease (PMID:36383556;28988177). The variant was found to segregate with disease in at least one affected family (PMID:28988177). This variant is located in a mutational hotspot and/or important functional domain. It is absent or not present at a significant frequency in gnomAD. In silico models predict that this variant is possibly or probably damaging. In conclusion, we classify GLA p.Gly171Ser (c.511G>A) as a likely pathogenic variant.

Revvity Omics, Revvity
Classification: Likely pathogenic. Last evaluated: 2019-12-10. Review status: criteria provided, single submitter. Criteria: ACMG Guidelines, 2015. Collection method: clinical testing. Allele origin: germline.

CeMIA
Classification: Likely pathogenic for Fabry disease. Review status: criteria provided, single submitter. Criteria: ACMG Guidelines, 2015. Collection method: clinical testing. Allele origin: germline. Affected: yes. Observed: 2 variant alleles.
Comment: Bioinformatic analysis by SIFT and PolyPhen2 algorithms predicted this mutation as deleterious and probably damaging, respectively. It was not detected amongst the 31360 individuals of the Genome Aggregation Database (gnomAD), indicating that it is not a common variant. Missense variants in the same residue have been previously reported in association with Fabry disease (PMID: 15712228). Taking all the above into account and according to ACMG Guidelines (Criteria: PM1 PM2, PM5, PP1, PP2, PP3, PP4) the variant is considered likely pathogenic.

Literature cited by the submitters: PubMed 36383556 (cited by Genomenon, Inc); PubMed 28988177 (cited by Genomenon, Inc and CeMIA).

NM_000169.3(GLA):c.511G>A (p.Gly171Ser)

Genes: GLA (galactosidase alpha; minus strand), RPL36A-HNRNPH2 (RPL36A-HNRNPH2 readthrough; plus strand). Cytogenetic location: Xq22.1.
Variant type: single nucleotide variant.
Coding change: c.511G>A on transcript NM_000169.3 (MANE Select); coding-DNA position 511, G replaced by A.
Protein change: p.Gly171Ser; replaces glycine 171 with serine.
Molecular consequence: missense variant. On other transcripts: non-coding transcript variant (3), intron variant (2).
Genome position (GRCh38, 1-based): chrX:101,401,668, C>T on the plus strand (G>A on the coding strand, the complement: GLA is on the minus strand). VCF-style: chrX-101401668-C-T. GRCh37 (hg19) VCF-style: chrX-100656656-C-T.
Other names: c.634G>A, p.Gly212Ser (NM_001406747.1, NM_001406749.1); c.511G>A, p.Gly171Ser (NM_001406748.1); c.300+6211C>T (NM_001199973.2); c.177+9846C>T (NM_001199974.2); short protein forms G171S, G212S.
Identifiers: ClinVar variation 222274 (VCV000222274.8), dbSNP rs869312317, ClinGen allele CA352923.